The following is an entry in ClinVar:

NM_021625.5(TRPV4):c.1464C>T (p.Thr488=)

Gene: TRPV4 (transient receptor potential cation channel subfamily V member 4; minus strand). Cytogenetic location: 12q24.11.
Variant type: single nucleotide variant.
Coding change: c.1464C>T on transcript NM_021625.5 (MANE Select); coding-DNA position 1464, C replaced by T.
Protein change: p.Thr488=; no amino-acid change (threonine 488 retained).
Molecular consequence: synonymous variant.
Genome position (GRCh38, 1-based): chr12:109,794,356, G>A on the plus strand (C>T on the coding strand, the complement: TRPV4 is on the minus strand). VCF-style: chr12-109794356-G-A. GRCh37 (hg19) VCF-style: chr12-110232161-G-A.
Other names: c.1323C>T, p.Thr441= (NM_001177428.2); c.1362C>T, p.Thr454= (NM_001177431.2); c.1143C>T, p.Thr381= (NM_001177433.2); c.1284C>T, p.Thr428= (NM_147204.3).
Identifiers: ClinVar variation 381035 (VCV000381035.85), dbSNP rs146841400, ClinGen allele CA6780235.

ClinVar aggregate classification (germline): Benign/Likely benign. Review status: criteria provided, multiple submitters, no conflicts (2 of 4 stars). 8 submissions from 8 submitters: Benign (1); Likely benign (7). Last evaluated 2026-02-01.

Conditions:
Inborn genetic diseases. Identifiers: MedGen C0950123, MeSH D030342.
Charcot-Marie-Tooth disease. Also called: Charcot-Marie-Tooth Neuropathy; Charcot-Marie-Tooth Hereditary Neuropathy. Identifiers: Orphanet 166, MedGen C0007959, MONDO:0015626.
Charcot-Marie-Tooth disease axonal type 2C (HMSN2C). Also called: Charcot-Marie-Tooth Disease Type 2, TRPV4-Related (CMT2C); CHARCOT-MARIE-TOOTH DISEASE, AXONAL, AUTOSOMAL DOMINANT, TYPE 2C; Charcot-Marie-Tooth Neuropathy Type 2C. Identifiers: Orphanet 99937, MedGen C1853710, MONDO:0011633, OMIM 606071.
TRPV4-related disorder. Also called: TRPV4-related condition; TRPV4-related disorders.

Allele frequency attached by ClinVar (database versions not stated): gnomAD exomes 0.00015 and 0.00038; ESP Exome Variant Server 0.00023; TOPMed 0.00025; ExAC 0.00027; gnomAD 0.00029.
gnomAD v4.1: 289 of 1,612,858 alleles (0.018%); highest among the groups gnomAD compares: East Asian, 0.011%; no homozygotes.

Submissions (8):

Labcorp Genetics (formerly Invitae), Labcorp
Classification: Likely benign for Charcot-Marie-Tooth disease axonal type 2C. Last evaluated: 2026-02-01. Review status: criteria provided, single submitter. Criteria: Invitae Variant Classification Sherloc (09022015). Collection method: clinical testing. Allele origin: germline.

PreventionGenetics, part of Exact Sciences
Classification: Likely benign for TRPV4-related condition. Last evaluated: 2025-09-02. Review status: criteria provided, single submitter. Criteria: ACMG Guidelines, 2015. Collection method: clinical testing. Allele origin: germline.
Comment: This variant is classified as likely benign based on ACMG/AMP sequence variant interpretation guidelines (Richards et al. 2015 PMID: 25741868, with internal and published modifications).

CeGaT Center for Human Genetics Tuebingen
Classification: Likely benign. Last evaluated: 2024-05-01. Review status: criteria provided, single submitter. Criteria: CeGaT Center For Human Genetics Tuebingen Variant Classification Criteria Version 2. Collection method: clinical testing. Allele origin: germline. Affected: yes. Observed: 2 variant alleles.
Comment: TRPV4: BP4, BP7

Athena Diagnostics
Classification: Benign. Last evaluated: 2020-10-29. Review status: criteria provided, single submitter. Criteria: Athena Diagnostics criteria. Collection method: clinical testing. Allele origin: unknown.

ARUP Laboratories, Molecular Genetics and Genomics, ARUP Laboratories
Classification: Likely benign. Last evaluated: 2020-03-30. Review status: criteria provided, single submitter. Criteria: ARUP Molecular Germline Variant Investigation Process. Collection method: clinical testing. Allele origin: germline.

Ambry Genetics
Classification: Likely benign for Inborn genetic diseases. Last evaluated: 2019-07-11. Review status: criteria provided, single submitter. Criteria: Ambry Variant Classification Scheme 2023. Collection method: clinical testing. Allele origin: germline.

GeneDx
Classification: Likely benign. Last evaluated: 2019-01-11. Review status: criteria provided, single submitter. Criteria: GeneDx Variant Classification Process June 2021. Collection method: clinical testing. Allele origin: germline. Affected: yes.

Molecular Genetics Laboratory, London Health Sciences Centre
Classification: Likely benign for Charcot-Marie-Tooth disease. Review status: criteria provided, single submitter. Criteria: ACMG Guidelines, 2015. Collection method: clinical testing. Allele origin: germline. Affected: yes.